The following is an entry in ClinVar:

ClinVar aggregate classification (germline): Pathogenic/Likely pathogenic. Review status: criteria provided, multiple submitters, no conflicts (2 of 4 stars). 3 submissions from 3 submitters: Pathogenic (1); Likely pathogenic (2). Last evaluated 2026-01-26.

Conditions:
ALG6-congenital disorder of glycosylation 1C (CDG1C). Also called: CDG Ic; Congenital disorder of glycosylation, type Ic; Congenital disorder of glycosylation type 1C; CARBOHYDRATE-DEFICIENT GLYCOPROTEIN SYNDROME, TYPE I, WITH DEFICIENT GLYCOSYLATION OF DOLICHOL-LINKED OLIGOSACCHARIDE; CARBOHYDRATE-DEFICIENT GLYCOPROTEIN SYNDROME, TYPE V. Identifiers: Orphanet 79320, MedGen C2930997, MONDO:0011291, OMIM 603147.

Allele frequency attached by ClinVar (database versions not stated): gnomAD exomes below 0.00001.
gnomAD v4.1: 1 of 1,614,168 alleles (0.000062%); highest among the groups gnomAD compares: South Asian, 0.0011%; no homozygotes.

Submissions (3):

Natera, Inc.
Classification: Likely pathogenic for Congenital disorder of glycosylation type 1c. Last evaluated: 2026-01-26. Review status: criteria provided, single submitter. Criteria: Natera Variant Classification Schema (03/2026). Collection method: clinical testing. Allele origin: germline.
Comment: The c.114T>G variant in ALG6 is a nonsense variant predicted to introduce a stop codon at amino acid 38. This variant is expected to result in nonsense mediated decay, truncation, or a dysfunctional protein product. This variant is rare in the general population with a frequency below the threshold expected for the associated phenotype(s). Given the available evidence, this variant is classified as Likely Pathogenic.

Baylor Genetics
Classification: Likely pathogenic for ALG6-congenital disorder of glycosylation 1C. Last evaluated: 2023-06-26. Review status: criteria provided, single submitter. Criteria: ACMG Guidelines, 2015. Collection method: clinical testing. Allele origin: unknown.

Labcorp Genetics (formerly Invitae), Labcorp
Classification: Pathogenic for ALG6-congenital disorder of glycosylation 1C. Last evaluated: 2023-02-14. Review status: criteria provided, single submitter. Criteria: Invitae Variant Classification Sherloc (09022015). Collection method: clinical testing. Allele origin: germline.
Comment: This sequence change creates a premature translational stop signal (p.Tyr38*) in the ALG6 gene. It is expected to result in an absent or disrupted protein product. Loss-of-function variants in ALG6 are known to be pathogenic (PMID: 19862844). This variant is not present in population databases (gnomAD no frequency). This variant has not been reported in the literature in individuals affected with ALG6-related conditions. For these reasons, this variant has been classified as Pathogenic.

Literature cited by the submitters: PubMed 19862844 (cited by Labcorp Genetics (formerly Invitae), Labcorp).

NM_013339.4(ALG6):c.114T>G (p.Tyr38Ter)

Gene: ALG6 (ALG6 alpha-1,3-glucosyltransferase; plus strand). Cytogenetic location: 1p31.3.
Variant type: single nucleotide variant.
Coding change: c.114T>G on transcript NM_013339.4 (MANE Select); coding-DNA position 114, T replaced by G.
Protein change: p.Tyr38Ter; replaces tyrosine 38 with a stop codon.
Molecular consequence: nonsense.
Genome position (GRCh38, 1-based): chr1:63,396,544, T>G. VCF-style: chr1-63396544-T-G. GRCh37 (hg19) VCF-style: chr1-63862215-T-G.
Other names: c.114T>G (NM_013339.3); short protein forms Y38*.
Identifiers: ClinVar variation 2675662 (VCV002675662.5), dbSNP rs1648831627, ClinGen allele CA340632776.